The following is an entry in ClinVar:

NM_000275.3(OCA2):c.904A>G (p.Ile302Val)

Gene: OCA2 (OCA2 melanosomal transmembrane protein; minus strand). Cytogenetic location: 15q13.1.
Variant type: single nucleotide variant.
Coding change: c.904A>G on transcript NM_000275.3 (MANE Select); coding-DNA position 904, A replaced by G.
Protein change: p.Ile302Val; replaces isoleucine 302 with valine.
Molecular consequence: missense variant.
Genome position (GRCh38, 1-based): chr15:28,014,916, T>C on the plus strand (A>G on the coding strand, the complement: OCA2 is on the minus strand). VCF-style: chr15-28014916-T-C. GRCh37 (hg19) VCF-style: chr15-28260062-T-C.
Other names: c.904A>G, p.Ile302Val (NM_001300984.2); short protein forms I302V.
Identifiers: ClinVar variation 2008501 (VCV002008501.4), dbSNP rs896517358, ClinGen allele CA267907349.

ClinVar aggregate classification (germline): Uncertain significance (1 of 4 stars; one submission).

Allele frequency attached by ClinVar (database versions not stated): gnomAD exomes below 0.00001; gnomAD 0.00001.
gnomAD v4.1: 3 of 1,614,048 alleles (0.00019%); highest among the groups gnomAD compares: East Asian, 0.0022%; no homozygotes.

Submission:

Labcorp Genetics (formerly Invitae), Labcorp
Classification: Uncertain significance. Last evaluated: 2024-11-05. Review status: criteria provided, single submitter. Criteria: Invitae Variant Classification Sherloc (09022015). Collection method: clinical testing. Allele origin: germline.
Comment: This sequence change replaces isoleucine, which is neutral and non-polar, with valine, which is neutral and non-polar, at codon 302 of the OCA2 protein (p.Ile302Val). This variant is not present in population databases (gnomAD no frequency). This variant has not been reported in the literature in individuals affected with OCA2-related conditions. ClinVar contains an entry for this variant (Variation ID: 2008501). Invitae Evidence Modeling of protein sequence and biophysical properties (such as structural, functional, and spatial information, amino acid conservation, physicochemical variation, residue mobility, and thermodynamic stability) indicates that this missense variant is not expected to disrupt OCA2 protein function with a negative predictive value of 80%. In summary, the available evidence is currently insufficient to determine the role of this variant in disease. Therefore, it has been classified as a Variant of Uncertain Significance.